The following is an entry in ClinVar:

ClinVar aggregate classification (germline): Uncertain significance (1 of 4 stars; one submission).

Allele frequency attached by ClinVar (database versions not stated): gnomAD exomes below 0.00001.
gnomAD v4.1: 1 of 1,599,628 alleles (0.000063%); highest among the groups gnomAD compares: Non-Finnish European, 0.000085%; no homozygotes.

Submission:

GeneDx
Classification: Uncertain significance. Last evaluated: 2019-11-10. Review status: criteria provided, single submitter. Criteria: GeneDx Variant Classification Process June 2021. Collection method: clinical testing. Allele origin: germline. Affected: yes.
Comment: Not observed in large population cohorts (Lek et al., 2016); In silico analysis, which includes protein predictors and evolutionary conservation, supports that this variant does not alter protein structure/function; Has not been previously published as pathogenic or benign to our knowledge

NM_013247.5(HTRA2):c.301A>G (p.Thr101Ala)

Gene: HTRA2 (HtrA serine peptidase 2; plus strand). Cytogenetic location: 2p13.1.
Variant type: single nucleotide variant.
Coding change: c.301A>G on transcript NM_013247.5 (MANE Select); coding-DNA position 301, A replaced by G.
Protein change: p.Thr101Ala; replaces threonine 101 with alanine.
Molecular consequence: missense variant. On other transcripts: non-coding transcript variant (1).
Genome position (GRCh38, 1-based): chr2:74,530,307, A>G. VCF-style: chr2-74530307-A-G. GRCh37 (hg19) VCF-style: chr2-74757434-A-G.
Other names: c.301A>G, p.Thr101Ala (NM_001321727.1, NM_001321728.1, NM_145074.2); short protein forms T101A.
Identifiers: ClinVar variation 1310067 (VCV001310067.2), dbSNP rs1675491370, ClinGen allele CA347377492.